The following is an entry in ClinVar:

NM_000023.4(SGCA):c.665G>A (p.Cys222Tyr)

Gene: SGCA (sarcoglycan alpha; plus strand). Cytogenetic location: 17q21.33.
Variant type: single nucleotide variant.
Coding change: c.665G>A on transcript NM_000023.4 (MANE Select); coding-DNA position 665, G replaced by A.
Protein change: p.Cys222Tyr; replaces cysteine 222 with tyrosine.
Molecular consequence: missense variant. On other transcripts: non-coding transcript variant (1), intron variant (1).
Genome position (GRCh38, 1-based): chr17:50,169,172, G>A. VCF-style: chr17-50169172-G-A. GRCh37 (hg19) VCF-style: chr17-48246533-G-A.
Other names: c.584+600G>A (NM_001135697.3); short protein forms C222Y.
Identifiers: ClinVar variation 4710396 (VCV004710396.1).

ClinVar aggregate classification (germline): Likely pathogenic (1 of 4 stars; one submission).

Conditions:
Autosomal recessive limb-girdle muscular dystrophy type 2D (LGMDR3). Also called: DUCHENNE-LIKE AUTOSOMAL RECESSIVE MUSCULAR DYSTROPHY, TYPE 2; MUSCULAR DYSTROPHY, LIMB-GIRDLE, AUTOSOMAL RECESSIVE 3; ADHALINOPATHY, PRIMARY. Identifiers: Orphanet 62, MedGen C2936332, MONDO:0011968, OMIM 608099. Disease mechanism: Affects gamma-sarcoglycan and also disrupts the integrity of the entire sarcoglycan complex..

Submission:

Labcorp Genetics (formerly Invitae), Labcorp
Classification: Likely pathogenic for Autosomal recessive limb-girdle muscular dystrophy type 2D. Last evaluated: 2025-08-06. Review status: criteria provided, single submitter. Criteria: Invitae Variant Classification Sherloc (09022015). Collection method: clinical testing. Allele origin: germline.
Comment: This sequence change replaces cysteine, which is neutral and slightly polar, with tyrosine, which is neutral and polar, at codon 222 of the SGCA protein (p.Cys222Tyr). This variant is not present in population databases (gnomAD no frequency). This missense change has been observed in individual(s) with limb-girdle muscular dystrophy (PMID: 16778590). Invitae Evidence Modeling of protein sequence and biophysical properties (such as structural, functional, and spatial information, amino acid conservation, physicochemical variation, residue mobility, and thermodynamic stability) indicates that this missense variant is expected to disrupt SGCA protein function with a positive predictive value of 95%. In summary, the currently available evidence indicates that the variant is pathogenic, but additional data are needed to prove that conclusively. Therefore, this variant has been classified as Likely Pathogenic.

Literature cited by the submitters: PubMed 16778590.